The following is an entry in ClinVar:

NM_004523.4(KIF11):c.3073A>G (p.Arg1025Gly)

Gene: KIF11 (kinesin family member 11; plus strand). Cytogenetic location: 10q23.33.
Variant type: single nucleotide variant.
Coding change: c.3073A>G on transcript NM_004523.4 (MANE Select); coding-DNA position 3073, A replaced by G.
Protein change: p.Arg1025Gly; replaces arginine 1025 with glycine.
Molecular consequence: missense variant.
Genome position (GRCh38, 1-based): chr10:92,653,698, A>G. VCF-style: chr10-92653698-A-G. GRCh37 (hg19) VCF-style: chr10-94413455-A-G.
Other names: c.3073A>G (NM_004523.3); short protein forms R1025G.
Identifiers: ClinVar variation 1448561 (VCV001448561.8), dbSNP rs202027907, ClinGen allele CA5604549.

ClinVar aggregate classification (germline): Uncertain significance. Review status: criteria provided, multiple submitters, no conflicts (2 of 4 stars). 3 submissions from 3 submitters: Uncertain significance (3). Last evaluated 2026-01-26.

Conditions:
KIF11-related disorder. Also called: KIF11-related condition.

Allele frequency attached by ClinVar (database versions not stated): gnomAD exomes below 0.00001 and 0.00001; ExAC 0.00001; gnomAD 0.00001; 1000 Genomes Project 0.00020; TOPMed 0.00002; 1000 Genomes Project 30x 0.00016.
gnomAD v4.1: 9 of 1,613,092 alleles (0.00056%); highest among the groups gnomAD compares: East Asian, 0.018%; no homozygotes.

Submissions (3):

PreventionGenetics, part of Exact Sciences
Classification: Uncertain significance for KIF11-related condition. Last evaluated: 2026-01-26. Review status: criteria provided, single submitter. Criteria: ACMG Guidelines, 2015. Collection method: clinical testing. Allele origin: germline.
Comment: The KIF11 c.3073A>G variant is predicted to result in the amino acid substitution p.Arg1025Gly. This variant has been reported in an individuals with familial exudative vitreoretinopathy (FEVR) without reported extraocular features (Li et al. 2016. PubMed ID: 27212378; Yang et al. 2021. PubMed ID: 34582765). In one case, the variant was inherited from a mildly affected parent (Wang et al. 2022. PubMed ID: 35456519). This variant is reported in 0.0054% of alleles in individuals of East Asian descent in gnomAD. At this time, the clinical significance of this variant is uncertain due to the absence of conclusive functional and genetic evidence.

Labcorp Genetics (formerly Invitae), Labcorp
Classification: Uncertain significance. Last evaluated: 2022-03-17. Review status: criteria provided, single submitter. Criteria: Invitae Variant Classification Sherloc (09022015). Collection method: clinical testing. Allele origin: germline.
Comment: Algorithms developed to predict the effect of missense changes on protein structure and function are either unavailable or do not agree on the potential impact of this missense change (SIFT: "Deleterious"; PolyPhen-2: "Benign"; Align-GVGD: "Class C0"). In summary, the available evidence is currently insufficient to determine the role of this variant in disease. Therefore, it has been classified as a Variant of Uncertain Significance. This missense change has been observed in individual(s) with KIF11-related conditions (PMID: 27212378). This variant is present in population databases (rs202027907, gnomAD 0.006%). This sequence change replaces arginine, which is basic and polar, with glycine, which is neutral and non-polar, at codon 1025 of the KIF11 protein (p.Arg1025Gly).

Blueprint Genetics
Classification: Uncertain significance. Last evaluated: 2020-11-30. Review status: criteria provided, single submitter. Criteria: ACMG Guidelines, 2015. Collection method: clinical testing. Allele origin: germline.

Literature cited by the submitters: PubMed 27212378 (cited by Labcorp Genetics (formerly Invitae), Labcorp).